The following is an entry in ClinVar:

NM_001099274.3(TINF2):c.771C>T (p.His257=)

Gene: TINF2 (TERF1 interacting nuclear factor 2; minus strand). Cytogenetic location: 14q12.
Variant type: single nucleotide variant.
Coding change: c.771C>T on transcript NM_001099274.3 (MANE Select); coding-DNA position 771, C replaced by T.
Protein change: p.His257=; no amino-acid change (histidine 257 retained).
Molecular consequence: synonymous variant.
Genome position (GRCh38, 1-based): chr14:24,240,709, G>A on the plus strand (C>T on the coding strand, the complement: TINF2 is on the minus strand). VCF-style: chr14-24240709-G-A. GRCh37 (hg19) VCF-style: chr14-24709915-G-A.
Other names: c.666C>T, p.His222= (NM_001363668.2); c.771C>T, p.His257= (NM_012461.3).
Identifiers: ClinVar variation 312949 (VCV000312949.32), dbSNP rs75124018, ClinGen allele CA7130563.
Genomic context (GRCh38, chr14:24,240,709, plus strand): 5'-TCCCCTAGTGGAGGCCCATTGGGACTGAACTCTTCGTCGGCCTAGAGGGGCCAGATTGAA[G>A]TGTCGGCCAGCTAGAGGTTCTGGGTGCGTCCTTGAAGATGGTCCCTGAGGAAGATGTGTG-3'
Protein context (NP_001092744.1, residues 247-267): RTHPEPLAGR[His257=]FNLAPLGRRR

ClinVar aggregate classification (germline): Benign/Likely benign. Review status: criteria provided, multiple submitters, no conflicts (2 of 4 stars). 11 submissions from 10 submitters: Benign (3); Likely benign (7). 1 of the submissions does not count toward it. Last evaluated 2025-12-23.

Conditions:
Dyskeratosis congenita. Identifiers: Orphanet 1775, MedGen C0265965, MONDO:0015780.
Dyskeratosis congenita, autosomal dominant 3. Identifiers: MedGen C3151445, MONDO:0013522, OMIM 613990.
TINF2-related disorder. Also called: TINF2-related condition.
Revesz syndrome. Also called: DYSKERATOSIS CONGENITA, AUTOSOMAL DOMINANT 5; EXUDATIVE RETINOPATHY WITH BONE MARROW FAILURE. Identifiers: Orphanet 3088, MedGen C1327916, MONDO:0009990, OMIM 268130.

Allele frequency attached by ClinVar (database versions not stated): TOPMed 0.00066; 1000 Genomes Project 30x 0.00078; ExAC 0.00090; ESP Exome Variant Server 0.00090; gnomAD exomes 0.00090 and 0.00138; gnomAD 0.00103 and 0.00106; 1000 Genomes Project 0.00060.
gnomAD v4.1: 2,150 of 1,613,880 alleles (0.13%); highest among the groups gnomAD compares: Non-Finnish European, 0.16%; 1 homozygote.

Submissions (11):

Labcorp Genetics (formerly Invitae), Labcorp
Classification: Benign for Dyskeratosis congenita. Last evaluated: 2025-12-23. Review status: criteria provided, single submitter. Criteria: Invitae Variant Classification Sherloc (09022015). Collection method: clinical testing. Allele origin: germline.

CeGaT Center for Human Genetics Tuebingen
Classification: Likely benign. Last evaluated: 2025-12-01. Review status: criteria provided, single submitter. Criteria: CeGaT Center For Human Genetics Tuebingen Variant Classification Criteria Version 2. Collection method: clinical testing. Allele origin: germline. Affected: yes. Observed: 2 variant alleles.
Comment: TINF2: BP4, BP7

Center for Genomic Medicine, Rigshospitalet, Copenhagen University Hospital
Classification: Likely benign. Last evaluated: 2025-03-04. Review status: criteria provided, single submitter. Criteria: ACMG Guidelines, 2015. Collection method: clinical testing. Allele origin: germline.

Laboratory of Genetics, Children's Clinical University Hospital Latvia
Classification: Likely benign. Last evaluated: 2025-02-16. Review status: criteria provided, single submitter. Criteria: ACMG Guidelines, 2015. Collection method: clinical testing. Allele origin: germline. Affected: yes.

Blueprint Genetics
Classification: Likely benign. Last evaluated: 2024-11-21. Review status: criteria provided, single submitter. Criteria: ACMG Guidelines, 2015. Collection method: clinical testing. Allele origin: germline.

Ambry Genetics
Classification: Likely benign for Dyskeratosis congenita. Last evaluated: 2022-06-12. Review status: criteria provided, single submitter. Criteria: Ambry Variant Classification Scheme 2023. Collection method: clinical testing. Allele origin: germline.

Genetic Services Laboratory, University of Chicago
Classification: Likely benign. Last evaluated: 2021-07-21. Review status: criteria provided, single submitter. Criteria: ACMG Guidelines, 2015. Collection method: clinical testing. Allele origin: germline. Affected: no.

Sema4
Classification: Likely benign for Dyskeratosis congenita. Last evaluated: 2021-07-14. Review status: criteria provided, single submitter. Criteria: Sema4 Curation Guidelines. Collection method: curation. Allele origin: germline.

Illumina Laboratory Services, Illumina
Classification: Benign for Dyskeratosis congenita, autosomal dominant 3. Last evaluated: 2018-01-13. Review status: criteria provided, single submitter. Criteria: ICSL Variant Classification Criteria 13 December 2019. Collection method: clinical testing. Allele origin: germline.
Comment: This variant was observed in the ICSL laboratory as part of a predisposition screen in an ostensibly healthy population. It had not been previously curated by ICSL or reported in the Human Gene Mutation Database (HGMD: prior to June 1st, 2018), and was therefore a candidate for classification through an automated scoring system. Utilizing variant allele frequency, disease prevalence and penetrance estimates, and inheritance mode, an automated score was calculated to assess if this variant is too frequent to cause the disease. Based on the score and internal cut-off values, a variant classified as benign is not then subjected to further curation. The score for this variant resulted in a classification of benign for this disease.

Illumina Laboratory Services, Illumina
Classification: Benign for Revesz syndrome. Last evaluated: 2018-01-13. Review status: criteria provided, single submitter. Criteria: ICSL Variant Classification Criteria 13 December 2019. Collection method: clinical testing. Allele origin: germline.
Comment: the same text as in the submission from Illumina Laboratory Services, Illumina above.

PreventionGenetics, part of Exact Sciences
Classification: Likely benign for TINF2-related condition. Last evaluated: 2019-05-02. Review status: no assertion criteria provided. Collection method: clinical testing. Allele origin: germline. Not counted in ClinVar's aggregate classification.
Comment: This variant is classified as likely benign based on ACMG/AMP sequence variant interpretation guidelines (Richards et al. 2015 PMID: 25741868, with internal and published modifications).